The following is an entry in ClinVar:

ClinVar aggregate classification (germline): Uncertain significance. Review status: criteria provided, multiple submitters, no conflicts (2 of 4 stars). 2 submissions from 2 submitters: Uncertain significance (2). Last evaluated 2023-06-30.

Conditions:
Neurodevelopmental disorder with hypotonia, seizures, and absent language (NDHSAL). Identifiers: MedGen C4310643, MONDO:0014995, OMIM 617268.

Allele frequency attached by ClinVar (database versions not stated): gnomAD exomes below 0.00001; gnomAD 0.00001.
gnomAD v4.1: 4 of 1,613,438 alleles (0.00025%); highest among the groups gnomAD compares: Middle Eastern, 0.016%; no homozygotes.

Submissions (2):

GeneDx
Classification: Uncertain significance. Last evaluated: 2023-06-30. Review status: criteria provided, single submitter. Criteria: GeneDx Variant Classification Process June 2021. Collection method: clinical testing. Allele origin: germline. Affected: yes.
Comment: Nonsense variant predicted to result in protein truncation or nonsense mediated decay in a gene or region of a gene for which loss of function is not a well-established mechanism of disease; Not observed at significant frequency in large population cohorts (gnomAD); Has not been previously published as pathogenic or benign to our knowledge

Victorian Clinical Genetics Services, Murdoch Childrens Research Institute
Classification: Uncertain significance for Neurodevelopmental disorder with hypotonia, seizures, and absent language. Last evaluated: 2020-10-19. Review status: criteria provided, single submitter. Criteria: ACMG Guidelines, 2015. Collection method: clinical testing. Allele origin: germline. Inheritance: Autosomal dominant inheritance. Affected: yes.
Comment: Based on the classification scheme VCGS_Germline_v1.3.3, this variant is classified as 3A-VUS. Following criteria are met: 0107 - This gene is associated with autosomal dominant disease. (I) 0105 - The mechanism of disease for this gene is not clearly established. (I) 0201 - Variant is predicted to cause nonsense-mediated decay (NMD) and loss of protein (premature termination codon is located at least 54 nucleotides upstream of the final exon-exon junction). (SP) 0251 - This variant is heterozygous. (I) 0302 - Variant is present in gnomAD (v3) <0.001 for a dominant condition (1 heterozygote, 0 homozygotes). (SP) 0401 - Variant is located in a gene associated with a severe early-onset dominant condition that is intolerant to loss of function variants (OMIM, gnomAD). (SP) 0704 - Another NMD variant comparable to the one identified in this case has limited previous evidence for pathogenicity. The p.(Arg1060SerfsTer80) was reported in an individual with severe global developmental delay, microcephaly, thick lower lip vermilion and stereotypy (Decipher). (SP) 0807 - This variant has no previous evidence of pathogenicity. (I) 0905 - No published segregation evidence has been identified for this variant. (I) 1007 - No published functional evidence has been identified for this variant. (I) 1208 - Inheritance information for this variant is not currently available in this individual. (I) Legend: (SP) - Supporting pathogenic, (I) - Information, (SB) - Supporting benign

NM_001348768.2(HECW2):c.3355C>T (p.Arg1119Ter)

Gene: HECW2 (HECT, C2 and WW domain containing E3 ubiquitin protein ligase 2; minus strand). Cytogenetic location: 2q32.3.
Variant type: single nucleotide variant.
Coding change: c.3355C>T on transcript NM_001348768.2 (MANE Select); coding-DNA position 3355, C replaced by T.
Protein change: p.Arg1119Ter; replaces arginine 1119 with a stop codon.
Molecular consequence: nonsense.
Genome position (GRCh38, 1-based): chr2:196,257,887, G>A on the plus strand (C>T on the coding strand, the complement: HECW2 is on the minus strand). VCF-style: chr2-196257887-G-A. GRCh37 (hg19) VCF-style: chr2-197122611-G-A.
Other names: c.2287C>T, p.Arg763Ter (NM_001304840.3); c.3355C>T, p.Arg1119Ter (NM_020760.4); c.3355C>T (NM_020760.1); short protein forms R1119*, R763*.
Identifiers: ClinVar variation 1806141 (VCV001806141.2), dbSNP rs1689126878, ClinGen allele CA349959047.